The following is an entry in ClinVar:

ClinVar aggregate classification (germline): Uncertain significance. Review status: criteria provided, multiple submitters, no conflicts (2 of 4 stars). 2 submissions from 2 submitters: Uncertain significance (2). Last evaluated 2021-09-21.

Conditions:
Joubert syndrome 17 (JBTS17). Identifiers: Orphanet 475, MedGen C3553264, MONDO:0013824, OMIM 614615.
Orofaciodigital syndrome type 6 (OFD6). Also called: OROFACIODIGITAL SYNDROME VI; OFDS VI; POLYDACTYLY, CLEFT LIP/PALATE OR LINGUAL LUMP, AND PSYCHOMOTOR RETARDATION; VARADI SYNDROME; VARADI-PAPP SYNDROME; Oral-facial-digital syndrome type 6. Identifiers: Orphanet 2754, MedGen C2745997, MONDO:0010176, OMIM 277170.

Allele frequency attached by ClinVar (database versions not stated): ExAC 0.00001; gnomAD 0.00001 and 0.00002; TOPMed 0.00002.
gnomAD v4.1: 36 of 1,614,018 alleles (0.0022%); highest among the groups gnomAD compares: South Asian, 0.012%; no homozygotes.

Submissions (2):

Fulgent Genetics
Classification: Uncertain significance for Orofaciodigital syndrome type 6; Joubert syndrome 17. Last evaluated: 2021-09-21. Review status: criteria provided, single submitter. Criteria: ACMG Guidelines, 2015. Collection method: clinical testing. Allele origin: unknown.

Labcorp Genetics (formerly Invitae), Labcorp
Classification: Uncertain significance. Last evaluated: 2021-08-24. Review status: criteria provided, single submitter. Criteria: Invitae Variant Classification Sherloc (09022015). Collection method: clinical testing. Allele origin: germline.
Comment: This sequence change replaces valine with isoleucine at codon 2044 of the CPLANE1 protein (p.Val2044Ile). The valine residue is moderately conserved and there is a small physicochemical difference between valine and isoleucine. This variant is present in population databases (rs773299420, ExAC 0.006%). This variant has not been reported in the literature in individuals affected with CPLANE1-related conditions. Algorithms developed to predict the effect of missense changes on protein structure and function output the following: SIFT: "Tolerated"; PolyPhen-2: "Benign"; Align-GVGD: "Class C0". The isoleucine amino acid residue is found in multiple mammalian species, which suggests that this missense change does not adversely affect protein function. In summary, the available evidence is currently insufficient to determine the role of this variant in disease. Therefore, it has been classified as a Variant of Uncertain Significance.

NM_001384732.1(CPLANE1):c.6130G>A (p.Val2044Ile)

Gene: CPLANE1 (ciliogenesis and planar polarity effector complex subunit 1; minus strand). Cytogenetic location: 5p13.2.
Variant type: single nucleotide variant.
Coding change: c.6130G>A on transcript NM_001384732.1 (MANE Select); coding-DNA position 6130, G replaced by A.
Protein change: p.Val2044Ile; replaces valine 2044 with isoleucine.
Molecular consequence: missense variant.
Genome position (GRCh38, 1-based): chr5:37,173,796, C>T on the plus strand (G>A on the coding strand, the complement: CPLANE1 is on the minus strand). VCF-style: chr5-37173796-C-T. GRCh37 (hg19) VCF-style: chr5-37173898-C-T.
Other names: c.6130G>A, p.Val2044Ile (NM_023073.4); short protein forms V2044I.
Identifiers: ClinVar variation 1524854 (VCV001524854.6), dbSNP rs773299420, ClinGen allele CA3238337.
Genomic context (GRCh38, chr5:37,173,796, plus strand): 5'-TATATAGAGATGTGCTTACCTGAACTAATTTAAACATTTCATCTTGCAGCATCTGCCTAA[C>T]GGACTCCGAACAATCTGGTAACTGAGCCGTGAATTCATTTCTCTGGGTCTTCTGAGGTGT-3'
Protein context (NP_001371661.1, residues 2034-2054): TAQLPDCSES[Val2044Ile]RQMLQDEMFK